The following is an entry in ClinVar:

NM_001142800.2(EYS):c.910del (p.Trp304fs)

Gene: EYS (EGF-like photoreceptor maintenance factor; minus strand). Cytogenetic location: 6q12.
Variant type: Deletion.
Coding change: c.910del on transcript NM_001142800.2 (MANE Select); coding-DNA position 910, one base deleted (T; older notation c.910delT).
Protein change: p.Trp304fs; shifts the reading frame from tryptophan 304.
Molecular consequence: frameshift variant.
Genome position (GRCh38, 1-based): chr6:65,405,320, A deleted on the plus strand (T on the coding strand, the reverse complement: EYS is on the minus strand); the first of 6 consecutive A bases (chr6:65,405,320-65,405,325); deleting any one gives the same sequence. VCF-style (leftmost placement, unchanged base first): chr6-65405319-CA-C. GRCh37 (hg19) VCF-style: chr6-66115212-CA-C.
Other names: c.910del, p.Trp304fs (NM_001142801.2, NM_001292009.2, NM_198283.2); short protein forms W304fs.
Identifiers: ClinVar variation 4892711 (VCV004892711.2).
Genomic context (GRCh38, chr6:65,405,319, plus strand): 5'-GATCCTTTTGGGCATTCATAAGTATAAGCAGAACTGCTATTTGGGCAAATTCCTCTTTTC[CA>C]AAAAAGCAGAGAAACACAAGGTTTTGCTGACACCTCACAGAATGGACCTTAAAAAAATCA-3'

ClinVar aggregate classification (germline): Pathogenic. Review status: criteria provided, multiple submitters, no conflicts (2 of 4 stars). 2 submissions from 2 submitters: Pathogenic (2). Last evaluated 2024-10-02.

Conditions:
Retinitis pigmentosa 25 (RP25). Identifiers: Orphanet 791, MedGen C1864446, MONDO:0011272, OMIM 602772.
EYS-related disorder. Also called: EYS-related condition.

Submissions (2):

Blueprint Genetics
Classification: Pathogenic for EYS-related disorders. Last evaluated: 2024-10-02. Review status: criteria provided, single submitter. Criteria: ACMG Guidelines, 2015. Collection method: clinical testing. Allele origin: germline. Affected: yes. Observed: 3 variant alleles.

Myriad Genetics, Inc.
Classification: Pathogenic for Retinitis pigmentosa 25. Last evaluated: 2024-05-14. Review status: criteria provided, single submitter. Criteria: Myriad Autosomal Dominant, Autosomal Recessive and X-Linked Classification Criteria (2023). Collection method: clinical testing. Allele origin: unknown.
Comment: NM_001142800.1(EYS):c.910delT(W304Gfs*35) is expected to be pathogenic in the context of retinitis pigmentosa, EYS-related. This variant is predicted to lead to an abnormal or absent protein product due to the creation of a premature termination codon in EYS, a gene where loss-of-function variants are known to be pathogenic. Please note: this variant was assessed in the context of healthy population screening.